The following is an entry in ClinVar:

NM_004423.4(DVL3):c.1918C>G (p.Leu640Val)

Gene: DVL3 (dishevelled segment polarity protein 3; plus strand). Cytogenetic location: 3q27.1.
Variant type: single nucleotide variant.
Coding change: c.1918C>G on transcript NM_004423.4 (MANE Select); coding-DNA position 1918, C replaced by G.
Protein change: p.Leu640Val; replaces leucine 640 with valine.
Molecular consequence: missense variant.
Genome position (GRCh38, 1-based): chr3:184,170,522, C>G. VCF-style: chr3-184170522-C-G. GRCh37 (hg19) VCF-style: chr3-183888310-C-G.
Other names: c.1918C>G (NM_004423.3); short protein forms L640V.
Identifiers: ClinVar variation 1392641 (VCV001392641.7), dbSNP rs780928848, ClinGen allele CA2727546.
Genomic context (GRCh38, chr3:184,170,522, plus strand): 5'-GCGCCCAGCGAGCGCTCAGGGCCGGCGGCCAGCGAGCACAGCCACCGCAGCCACCATTCC[C>G]TGGCCAGCAGCCTTCGCAGCCACCACACACACCCGAGCTACGGTCCTCCCGGAGTGCCCC-3'
Protein context (NP_004414.3, residues 630-650): SEHSHRSHHS[Leu640Val]ASSLRSHHTH

ClinVar aggregate classification (germline): Uncertain significance. Review status: criteria provided, multiple submitters, no conflicts (2 of 4 stars). 2 submissions from 2 submitters: Uncertain significance (2). Last evaluated 2026-01-27.

Conditions:
DVL3-related disorder. Also called: DVL3-related condition.

Allele frequency attached by ClinVar (database versions not stated): TOPMed 0.00006; ExAC 0.00001; gnomAD 0.00001; gnomAD exomes 0.00001.
gnomAD v4.1: 25 of 1,609,430 alleles (0.0016%); highest among the groups gnomAD compares: Admixed American, 0.01%; no homozygotes.

Submissions (2):

Labcorp Genetics (formerly Invitae), Labcorp
Classification: Uncertain significance. Last evaluated: 2026-01-27. Review status: criteria provided, single submitter. Criteria: Invitae Variant Classification Sherloc (09022015). Collection method: clinical testing. Allele origin: germline.
Comment: This sequence change replaces leucine, which is neutral and non-polar, with valine, which is neutral and non-polar, at codon 640 of the DVL3 protein (p.Leu640Val). The frequency data for this variant in the population databases is considered unreliable, as metrics indicate poor data quality at this position in the gnomAD database. This variant has not been reported in the literature in individuals affected with DVL3-related conditions. ClinVar contains an entry for this variant (Variation ID: 1392641). Invitae Evidence Modeling of protein sequence and biophysical properties (such as structural, functional, and spatial information, amino acid conservation, physicochemical variation, residue mobility, and thermodynamic stability) indicates that this missense variant is not expected to disrupt DVL3 protein function with a negative predictive value of 80%. In summary, the available evidence is currently insufficient to determine the role of this variant in disease. Therefore, it has been classified as a Variant of Uncertain Significance.

PreventionGenetics, part of Exact Sciences
Classification: Uncertain significance for DVL3-related condition. Last evaluated: 2025-12-21. Review status: criteria provided, single submitter. Criteria: ACMG Guidelines, 2015. Collection method: clinical testing. Allele origin: germline.
Comment: The DVL3 c.1918C>G variant is predicted to result in the amino acid substitution p.Leu640Val. To our knowledge, this variant has not been reported in the literature. This variant is reported in 0.0087% of alleles in individuals of Latino descent in gnomAD. At this time, the clinical significance of this variant is uncertain due to the absence of conclusive functional and genetic evidence.